The following is an entry in ClinVar:

ClinVar aggregate classification (germline): Likely pathogenic (1 of 4 stars; one submission).

Conditions:
Sanfilippo syndrome. Also called: Sanfilippo disease; Mucopolysaccharidosis Type III; Mucopolysaccharidosis type 3. Identifiers: Orphanet 581, MedGen C0026706, MONDO:0018937.

Submission:

Natera, Inc.
Classification: Likely pathogenic for Sanfilippo disease. Last evaluated: 2025-05-13. Review status: criteria provided, single submitter. Criteria: Natera Variant Classification Schema (03/2026). Collection method: clinical testing. Allele origin: germline.
Comment: The c.1255G>T variant in GNS is a nonsense variant predicted to introduce a stop codon at amino acid 419. This variant is expected to result in nonsense mediated decay, truncation, or a dysfunctional protein product. This variant is rare in the general population with a frequency below the threshold expected for the associated phenotype(s). Given the available evidence, this variant is classified as Likely Pathogenic.

NM_002076.4(GNS):c.1255G>T (p.Glu419Ter)

Gene: GNS (glucosamine (N-acetyl)-6-sulfatase; minus strand). Cytogenetic location: 12q14.3.
Variant type: single nucleotide variant.
Coding change: c.1255G>T on transcript NM_002076.4 (MANE Select); coding-DNA position 1255, G replaced by T.
Protein change: p.Glu419Ter; replaces glutamic acid 419 with a stop codon.
Molecular consequence: nonsense.
Genome position (GRCh38, 1-based): chr12:64,723,059, C>A on the plus strand (G>T on the coding strand, the complement: GNS is on the minus strand). VCF-style: chr12-64723059-C-A. GRCh37 (hg19) VCF-style: chr12-65116839-C-A.
Other names: short protein forms E419*.
Identifiers: ClinVar variation 4068901 (VCV004068901.2).